The following is an entry in ClinVar:

ClinVar aggregate classification (germline): Uncertain significance. Review status: criteria provided, multiple submitters, no conflicts (2 of 4 stars). 6 submissions from 6 submitters: Uncertain significance (6). Last evaluated 2025-11-10.

Conditions:
Inborn genetic diseases. Identifiers: MedGen C0950123, MeSH D030342.
Spermatogenic failure 28. Identifiers: MedGen C4748117, MONDO:0054732, OMIM 618086.
Premature ovarian failure 15. Identifiers: MedGen C4748170, MONDO:0054862, OMIM 618096.
Hereditary cancer-predisposing syndrome. Also called: Neoplastic Syndromes, Hereditary; Tumor predisposition; Hereditary neoplastic syndrome; Hereditary Cancer Syndrome. Identifiers: Orphanet 140162, MedGen C0027672, MeSH D009386, MONDO:0015356.
Fanconi anemia (FA). Also called: Fanconi's anemia. Identifiers: Orphanet 84, MedGen C0015625, MeSH D005199, MONDO:0019391.

Allele frequency attached by ClinVar (database versions not stated): TOPMed 0.00002.
gnomAD v4.1: 29 of 1,612,214 alleles (0.0018%); highest among the groups gnomAD compares: Admixed American, 0.045%; no homozygotes.

Submissions (6):

Labcorp Genetics (formerly Invitae), Labcorp
Classification: Uncertain significance for Fanconi anemia. Last evaluated: 2025-11-10. Review status: criteria provided, single submitter. Criteria: Invitae Variant Classification Sherloc (09022015). Collection method: clinical testing. Allele origin: germline.
Comment: This sequence change replaces threonine, which is neutral and polar, with serine, which is neutral and polar, at codon 793 of the FANCM protein (p.Thr793Ser). This variant is present in population databases (rs201232194, gnomAD 0.07%). This variant has not been reported in the literature in individuals affected with FANCM-related conditions. ClinVar contains an entry for this variant (Variation ID: 1351852). An algorithm developed to predict the effect of missense changes on protein structure and function (PolyPhen-2) suggests that this variant is likely to be tolerated. In summary, the available evidence is currently insufficient to determine the role of this variant in disease. Therefore, it has been classified as a Variant of Uncertain Significance.

Quest Diagnostics Nichols Institute San Juan Capistrano
Classification: Uncertain significance. Last evaluated: 2025-10-03. Review status: criteria provided, single submitter. Criteria: Quest Diagnostics criteria. Collection method: clinical testing. Allele origin: unknown.
Comment: The FANCM c.2377A>T (p.Thr793Ser) variant has not been reported in individuals with FANCM-related conditions in the published literature. The frequency of this variant in the general population (Genome Aggregation Database) is uninformative in the assessment of its pathogenicity. Analysis of this variant using bioinformatics tools for the prediction of the effect of amino acid changes on protein structure and function yielded predictions that this variant is benign. Based on the available information, we are unable to determine the clinical significance of this variant.

Ambry Genetics
Classification: Uncertain significance for Inborn genetic diseases. Last evaluated: 2024-11-22. Review status: criteria provided, single submitter. Criteria: Ambry Variant Classification Scheme 2023. Collection method: clinical testing. Allele origin: germline.
Comment: The p.T793S variant (also known as c.2377A>T), located in coding exon 14 of the FANCM gene, results from an A to T substitution at nucleotide position 2377. The threonine at codon 793 is replaced by serine, an amino acid with similar properties. This amino acid position is conserved. In addition, this alteration is predicted to be tolerated by in silico analysis. Based on the available evidence, the clinical significance of this variant remains unclear.

Fulgent Genetics
Classification: Uncertain significance for Spermatogenic failure 28; Premature ovarian failure 15. Last evaluated: 2022-04-23. Review status: criteria provided, single submitter. Criteria: ACMG Guidelines, 2015. Collection method: clinical testing. Allele origin: unknown.

GeneDx
Classification: Uncertain significance. Last evaluated: 2022-04-08. Review status: criteria provided, single submitter. Criteria: GeneDx Variant Classification Process June 2021. Collection method: clinical testing. Allele origin: germline. Affected: yes.
Comment: In silico analysis supports that this missense variant does not alter protein structure/function; Has not been previously published as pathogenic or benign to our knowledge

Sema4
Classification: Uncertain significance for Hereditary cancer-predisposing syndrome. Last evaluated: 2021-12-02. Review status: criteria provided, single submitter. Criteria: Sema4 Curation Guidelines. Collection method: curation. Allele origin: germline.
Comment: The FANCM c.2377A>T (p.T793S) variant has not been reported in the literature to our knowledge. It was observed in 23/34426 chromosomes of the Latino subpopulation in the large and broad cohorts of the Genome Aggregation Database (PMID: 32461654). The variant has not been reported in ClinVar. In silico tools suggest the impact of the variant on protein function is benign, though these predictions have not been confirmed by functional studies. There is no indication that this variant causes disease, but the evidence is insufficient currently to prove that conclusively. Thus, the clinical significance of this variant is currently uncertain.

NM_020937.4(FANCM):c.2377A>T (p.Thr793Ser)

Gene: FANCM (FA complementation group M; plus strand). Cytogenetic location: 14q21.2.
Variant type: single nucleotide variant.
Coding change: c.2377A>T on transcript NM_020937.4 (MANE Select); coding-DNA position 2377, A replaced by T.
Protein change: p.Thr793Ser; replaces threonine 793 with serine.
Molecular consequence: missense variant.
Genome position (GRCh38, 1-based): chr14:45,175,131, A>T. VCF-style: chr14-45175131-A-T. GRCh37 (hg19) VCF-style: chr14-45644334-A-T.
Other names: c.2299A>T, p.Thr767Ser (NM_001308133.2); short protein forms T793S, T767S.
Identifiers: ClinVar variation 1351852 (VCV001351852.16), dbSNP rs201232194, ClinGen allele CA7169343.